The following is an entry in ClinVar:

NM_020207.7(ERCC6L2):c.4226C>T (p.Thr1409Met)

Gene: ERCC6L2 (ERCC excision repair 6 like 2; plus strand). Cytogenetic location: 9q22.32.
Variant type: single nucleotide variant.
Coding change: c.4226C>T on transcript NM_020207.7 (MANE Select); coding-DNA position 4226, C replaced by T.
Protein change: p.Thr1409Met; replaces threonine 1409 with methionine.
Molecular consequence: missense variant. On other transcripts: non-coding transcript variant (1), intron variant (2).
Genome position (GRCh38, 1-based): chr9:96,012,776, C>T. VCF-style: chr9-96012776-C-T. GRCh37 (hg19) VCF-style: chr9-98775058-C-T.
Other names: c.3674+8075C>T (NM_001375291.1, NM_001375292.1); short protein forms T1409M.
Identifiers: ClinVar variation 1355856 (VCV001355856.8), dbSNP rs766510591, ClinGen allele CA5140082.

ClinVar aggregate classification (germline): Uncertain significance (1 of 4 stars; one submission).

Allele frequency attached by ClinVar (database versions not stated): gnomAD 0.00002 and 0.00008; TOPMed 0.00003; gnomAD exomes 0.00009 and 0.00021; ExAC 0.00026.
gnomAD v4.1: 122 of 1,367,356 alleles (0.0089%); highest among the groups gnomAD compares: South Asian, 0.12%; 3 homozygotes.

Submission:

Labcorp Genetics (formerly Invitae), Labcorp
Classification: Uncertain significance. Last evaluated: 2026-01-27. Review status: criteria provided, single submitter. Criteria: Invitae Variant Classification Sherloc (09022015). Collection method: clinical testing. Allele origin: germline.
Comment: This sequence change replaces threonine, which is neutral and polar, with methionine, which is neutral and non-polar, at codon 1420 of the ERCC6L2 protein (p.Thr1420Met). This variant is present in population databases (rs766510591, gnomAD 0.1%), including at least one homozygous and/or hemizygous individual. This variant has not been reported in the literature in individuals affected with ERCC6L2-related conditions. ClinVar contains an entry for this variant (Variation ID: 1355856). Experimental studies and prediction algorithms are not available or were not evaluated, and the functional significance of this variant is currently unknown. In summary, the available evidence is currently insufficient to determine the role of this variant in disease. Therefore, it has been classified as a Variant of Uncertain Significance.